The following is an entry in ClinVar:

ClinVar aggregate classification (germline): Uncertain significance. Review status: criteria provided, multiple submitters, no conflicts (2 of 4 stars). 2 submissions from 2 submitters: Uncertain significance (2). Last evaluated 2024-07-31.

Conditions:
Inborn genetic diseases. Identifiers: MedGen C0950123, MeSH D030342.

Allele frequency attached by ClinVar (database versions not stated): gnomAD exomes 0.00001; gnomAD 0.00003; TOPMed 0.00004; ESP Exome Variant Server 0.00008.

Submissions (2):

Ambry Genetics
Classification: Uncertain significance for Inborn genetic diseases. Last evaluated: 2024-07-31. Review status: criteria provided, single submitter. Criteria: Ambry Variant Classification Scheme 2023. Collection method: clinical testing. Allele origin: germline.

Labcorp Genetics (formerly Invitae), Labcorp
Classification: Uncertain significance. Last evaluated: 2023-12-22. Review status: criteria provided, single submitter. Criteria: Invitae Variant Classification Sherloc (09022015). Collection method: clinical testing. Allele origin: germline.
Comment: This sequence change replaces arginine, which is basic and polar, with histidine, which is basic and polar, at codon 381 of the SLC25A12 protein (p.Arg381His). This variant is present in population databases (rs368062271, gnomAD 0.004%). This variant has not been reported in the literature in individuals affected with SLC25A12-related conditions. ClinVar contains an entry for this variant (Variation ID: 1040999). Advanced modeling of protein sequence and biophysical properties (such as structural, functional, and spatial information, amino acid conservation, physicochemical variation, residue mobility, and thermodynamic stability) performed at Invitae indicates that this missense variant is not expected to disrupt SLC25A12 protein function with a negative predictive value of 80%. In summary, the available evidence is currently insufficient to determine the role of this variant in disease. Therefore, it has been classified as a Variant of Uncertain Significance.

NM_003705.5(SLC25A12):c.1142G>A (p.Arg381His)

Gene: SLC25A12 (solute carrier family 25 member 12; minus strand). Cytogenetic location: 2q31.1.
Variant type: single nucleotide variant.
Coding change: c.1142G>A on transcript NM_003705.5 (MANE Select); coding-DNA position 1142, G replaced by A.
Protein change: p.Arg381His; replaces arginine 381 with histidine.
Molecular consequence: missense variant. On other transcripts: non-coding transcript variant (1).
Genome position (GRCh38, 1-based): chr2:171,813,368, C>T on the plus strand (G>A on the coding strand, the complement: SLC25A12 is on the minus strand). VCF-style: chr2-171813368-C-T. GRCh37 (hg19) VCF-style: chr2-172669878-C-T.
Other names: c.1142G>A (NM_003705.3); short protein forms R381H.
Identifiers: ClinVar variation 1040999 (VCV001040999.7), dbSNP rs368062271, ClinGen allele CA60675068.